The following is an entry in ClinVar:

ClinVar aggregate classification (germline): Pathogenic (1 of 4 stars; one submission).

Submission:

Quest Diagnostics Nichols Institute San Juan Capistrano
Classification: Pathogenic. Last evaluated: 2022-12-14. Review status: criteria provided, single submitter. Criteria: ACMG/ClinGen CNV Guidelines, 2019. Collection method: clinical testing. Allele origin: unknown.
Comment: This terminal deletion of 4p, including critical genes WHSC1/NSD2 and LETM1, is consistent with the clinical diagnosis of Wolf-Hirschhorn syndrome (WHS, OMIM 194190).

GRCh37/hg19 4p16.3(chr4:68346-2681414)x1

Genes: ATP5ME (ATP synthase membrane subunit e; minus strand), CPLX1 (complexin 1; minus strand), CRIPAK (cysteine rich PAK1 inhibitor; plus strand), CTBP1 (C-terminal binding protein 1; minus strand), DGKQ (diacylglycerol kinase theta; minus strand) and 36 more. Cytogenetic location: 4p16.3.
Variant type: copy number loss.
Change: copy number 1 (one copy instead of two) of chr4:68,346-2,681,414 (2.61 Mb, GRCh37 coordinates, 1-based), cytogenetic band 4p16.3.
Identifiers: ClinVar variation 2685098 (VCV002685098.1).